The following is an entry in ClinVar:

ClinVar aggregate classification (germline): Benign. Review status: criteria provided, multiple submitters, no conflicts (2 of 4 stars). 2 submissions from 2 submitters: Benign (2). Last evaluated 2021-06-09.

Submissions (2):

GeneDx
Classification: Benign. Last evaluated: 2021-06-09. Review status: criteria provided, single submitter. Criteria: GeneDx Variant Classification Process June 2021. Collection method: clinical testing. Allele origin: germline. Affected: yes.
Comment: This variant is associated with the following publications: (PMID: 25242241)

Breakthrough Genomics
Classification: Benign. Review status: criteria provided, single submitter. Criteria: ACMG Guidelines, 2015. Collection method: not provided. Allele origin: germline. Inheritance: Autosomal recessive inheritance. Affected: yes.

NM_139027.6(ADAMTS13):c.1245-32=

Gene: ADAMTS13 (ADAM metallopeptidase with thrombospondin type 1 motif 13; plus strand). Cytogenetic location: 9q34.2.
Variant type: Variation.
Coding change: c.1245-32= on transcript NM_139027.6 (MANE Select); 32 bases into the intron before coding-DNA position 1245, no change from the reference sequence.
Molecular consequence: intron variant.
Genome position: GRCh38 VCF-style: chr9-133433609-C-C. GRCh37 (hg19) VCF-style: chr9-136298729-G-C.
Other names: c.1245-32= (NM_139025.5); c.1152-32= (NM_139026.6).
Identifiers: ClinVar variation 1180971 (VCV001180971.3).
Genomic context (GRCh38, chr9:133,433,609, plus strand): 5'-TTTCTGTCAGGGAGTGTGGCCATACCATAGTCCCTAGTTGAAGGCAGTGGTCACCCTGCT[C=]TCTCACCCTCCTGTCTGCTGGGCATTTTCAGACCTGCCTTTGGGGGGCGTGCATGTGTTG-3'